The following is an entry in ClinVar:

ClinVar aggregate classification (germline): Conflicting classifications of pathogenicity. Review status: criteria provided, conflicting classifications (1 of 4 stars). 5 submissions from 5 submitters: Uncertain significance (2); Benign (1); Likely benign (2). Last evaluated 2026-01-06.

Conditions:
Hereditary cancer-predisposing syndrome. Also called: Neoplastic Syndromes, Hereditary; Tumor predisposition; Hereditary neoplastic syndrome; Hereditary Cancer Syndrome. Identifiers: Orphanet 140162, MedGen C0027672, MeSH D009386, MONDO:0015356.
Multiple endocrine neoplasia, type 1 (MEN1). Also called: MEN I; WERMER SYNDROME; Endocrine adenomatosis multiple; MEN 1; MEA I. Identifiers: Orphanet 652, MedGen C0025267, MeSH D018761, MONDO:0007540, OMIM 131100.

Allele frequency attached by ClinVar (database versions not stated): TOPMed 0.00005.
gnomAD v4.1: 21 of 1,606,582 alleles (0.0013%); highest among the groups gnomAD compares: Non-Finnish European, 0.0016%; no homozygotes.

Submissions (5):

Labcorp Genetics (formerly Invitae), Labcorp
Classification: Benign for Multiple endocrine neoplasia, type 1. Last evaluated: 2026-01-06. Review status: criteria provided, single submitter. Criteria: Invitae Variant Classification Sherloc (09022015). Collection method: clinical testing. Allele origin: germline.

Color Diagnostics, LLC DBA Color Health
Classification: Likely benign for Multiple endocrine neoplasia, type 1. Last evaluated: 2025-05-27. Review status: criteria provided, single submitter. Criteria: ACMG Guidelines, 2015. Collection method: clinical testing. Allele origin: germline.

Center for Genomic Medicine, Rigshospitalet, Copenhagen University Hospital
Classification: Uncertain significance. Last evaluated: 2025-03-04. Review status: criteria provided, single submitter. Criteria: ACMG Guidelines, 2015. Collection method: clinical testing. Allele origin: germline.

GeneDx
Classification: Uncertain significance. Last evaluated: 2023-06-13. Review status: criteria provided, single submitter. Criteria: GeneDx Variant Classification Process June 2021. Collection method: clinical testing. Allele origin: germline. Affected: yes.
Comment: Not observed at significant frequency in large population cohorts (gnomAD); In silico analysis supports that this missense variant does not alter protein structure/function; Has not been previously published as pathogenic or benign to our knowledge

Ambry Genetics
Classification: Likely benign for Hereditary cancer-predisposing syndrome. Last evaluated: 2023-03-09. Review status: criteria provided, single submitter. Criteria: Ambry Variant Classification Scheme 2023. Collection method: clinical testing. Allele origin: germline.

NM_001370259.2(MEN1):c.1540C>A (p.Pro514Thr)

Gene: MEN1 (menin 1; minus strand). Cytogenetic location: 11q13.1.
Variant type: single nucleotide variant.
Coding change: c.1540C>A on transcript NM_001370259.2 (MANE Select); coding-DNA position 1540, C replaced by A.
Protein change: p.Pro514Thr; replaces proline 514 with threonine.
Molecular consequence: missense variant.
Genome position (GRCh38, 1-based): chr11:64,804,627, G>T on the plus strand (C>A on the coding strand, the complement: MEN1 is on the minus strand). VCF-style: chr11-64804627-G-T. GRCh37 (hg19) VCF-style: chr11-64572099-G-T.
Other names: c.1540C>A, p.Pro514Thr (NM_001370260.2, NM_001370261.2, NM_130799.3); c.1435C>A, p.Pro479Thr (NM_001370262.2, NM_001370263.2); c.1555C>A, p.Pro519Thr (NM_130800.3, NM_130801.3, NM_130802.3 and 3 more transcripts); c.1666C>A, p.Pro556Thr (NM_001370251.2); short protein forms P514T, P519T, P479T, P556T.
Identifiers: ClinVar variation 241808 (VCV000241808.15), dbSNP rs150202288, ClinGen allele CA060747.